The following is an entry in ClinVar:

NM_001195263.2(PDZD7):c.2618-6_2619del

Gene: PDZD7 (PDZ domain containing 7; minus strand). Cytogenetic location: 10q24.31.
Variant type: Deletion.
Coding change: c.2618-6_2619del on transcript NM_001195263.2 (MANE Select); 6 bases into the intron before coding-DNA position 2618 through coding-DNA position 2619, 8 bases deleted (CACTAGGT; older notation c.2618-6_2619delCACTAGGT).
Molecular consequence: splice acceptor variant.
Genome position (GRCh38, 1-based): chr10:101,009,349-101,009,356, ACCTAGTG deleted on the plus strand (CACTAGGT on the coding strand, the reverse complement: PDZD7 is on the minus strand); deleting any 8 consecutive bases within chr10:101,009,349-101,009,358 gives the same sequence; the c. name uses the placement nearest the transcript's 3' end. VCF-style (leftmost placement, unchanged base first): chr10-101009348-TACCTAGTG-T. GRCh37 (hg19) VCF-style: chr10-102769105-TACCTAGTG-T.
Identifiers: ClinVar variation 1683980 (VCV001683980.9), dbSNP rs2133994584, ClinGen allele CA595494111.

ClinVar aggregate classification (germline): Likely pathogenic. Review status: criteria provided, multiple submitters, no conflicts (2 of 4 stars). 2 submissions from 2 submitters: Likely pathogenic (2). Last evaluated 2025-03-17.

Submissions (2):

Labcorp Genetics (formerly Invitae), Labcorp
Classification: Likely pathogenic. Last evaluated: 2025-03-17. Review status: criteria provided, single submitter. Criteria: Invitae Variant Classification Sherloc (09022015). Collection method: clinical testing. Allele origin: germline.
Comment: This variant results in the deletion of part of exon 16 (c.2618-6_2619del) of the PDZD7 gene. It is expected to disrupt RNA splicing. Variants that disrupt the donor or acceptor splice site typically lead to a loss of protein function (PMID: 16199547), and loss-of-function variants in PDZD7 are known to be pathogenic (PMID: 20440071). This variant is not present in population databases (gnomAD no frequency). This variant has not been reported in the literature in individuals affected with PDZD7-related conditions. ClinVar contains an entry for this variant (Variation ID: 1683980). In summary, the currently available evidence indicates that the variant is pathogenic, but additional data are needed to prove that conclusively. Therefore, this variant has been classified as Likely Pathogenic.

GeneDx
Classification: Likely pathogenic. Last evaluated: 2025-03-03. Review status: criteria provided, single submitter. Criteria: GeneDx Variant Classification Process June 2021. Collection method: clinical testing. Allele origin: germline. Affected: yes.
Comment: Canonical splice site variant predicted to result in a null allele in a gene for which loss of function is a known mechanism of disease; Not observed at significant frequency in large population cohorts (gnomAD); Has not been previously published as pathogenic or benign to our knowledge

Literature cited by the submitters: PubMed 16199547 (cited by Labcorp Genetics (formerly Invitae), Labcorp); PubMed 20440071 (cited by Labcorp Genetics (formerly Invitae), Labcorp).